The following is an entry in ClinVar:

NM_024407.4(NDUFS7):c.-376G>C

Gene: NDUFS7 (NADH:ubiquinone oxidoreductase core subunit S7; plus strand). Cytogenetic location: 19p13.3.
Variant type: single nucleotide variant.
Coding change: c.-376G>C on transcript NM_024407.4; 376 bases upstream of the start codon, G replaced by C.
Genome position (GRCh38, 1-based): chr19:1,383,551, G>C. VCF-style: chr19-1383551-G-C. GRCh37 (hg19) VCF-style: chr19-1383550-G-C.
Identifiers: ClinVar variation 672592 (VCV000672592.4), dbSNP rs117758624, ClinGen allele CA14742255.
Genomic context (GRCh38, chr19:1,383,551, plus strand): 5'-AGGCGCAGTCGTTTCGCGTCAGCAGGCCCCACATCCTTTGTAAGGTCTCCCAGGGCGCCG[G>C]AGCGCAGTGTCGTCTCTGTGGCGCAATCGGTTAGCGCGTTCGGCTGTTAACCGAAAGGTT-3'

ClinVar aggregate classification (germline): Benign. Review status: criteria provided, multiple submitters, no conflicts (2 of 4 stars). 2 submissions from 2 submitters: Benign (2). Last evaluated 2018-06-14.

Allele frequency attached by ClinVar (database versions not stated): 1000 Genomes Project 0.02157; 1000 Genomes Project 30x 0.02202; TOPMed 0.03163.

Submissions (2):

GeneDx
Classification: Benign. Last evaluated: 2018-06-14. Review status: criteria provided, single submitter. Criteria: GeneDx Variant Classification (06012015). Collection method: clinical testing. Allele origin: germline. Affected: yes.
Comment: This variant is considered likely benign or benign based on one or more of the following criteria: it is a conservative change, it occurs at a poorly conserved position in the protein, it is predicted to be benign by multiple in silico algorithms, and/or has population frequency not consistent with disease.

Breakthrough Genomics
Classification: Benign. Review status: criteria provided, single submitter. Criteria: ACMG Guidelines, 2015. Collection method: not provided. Allele origin: germline. Inheritance: Autosomal recessive inheritance. Affected: yes.